The following is an entry in ClinVar:

NM_000085.5(CLCNKB):c.968+5G>A

Genes: CLCNKB (chloride voltage-gated channel Kb; plus strand), LOC106501713 (CLCNKB recombination region; plus strand). Cytogenetic location: 1p36.13.
Variant type: single nucleotide variant.
Coding change: c.968+5G>A on transcript NM_000085.5 (MANE Select); 5 bases into the intron after coding-DNA position 968, G replaced by A.
Molecular consequence: intron variant.
Genome position (GRCh38, 1-based): chr1:16,049,921, G>A. VCF-style: chr1-16049921-G-A. GRCh37 (hg19) VCF-style: chr1-16376416-G-A.
Other names: c.461+5G>A (NM_001165945.2).
Identifiers: ClinVar variation 3393557 (VCV003393557.1).
Genomic context (GRCh38, chr1:16,049,921, plus strand): 5'-ATCTTCTTTGGCTTCATCAGGAACAATAGGTTCAGCTCCAAACTGCTGGCCACCAGGTAG[G>A]CTCCGGGCTAAGGGCTGGGGACCTCTCAGCGAGCTCCCCCCTCACCGTACTCCCAACCTT-3'

ClinVar aggregate classification (germline): Uncertain significance (1 of 4 stars; one submission).

gnomAD v4.1: 8 of 1,612,700 alleles (0.0005%); highest among the groups gnomAD compares: Middle Eastern, 0.016%; no homozygotes.

Submission:

GeneDx
Classification: Uncertain significance. Last evaluated: 2024-07-03. Review status: criteria provided, single submitter. Criteria: GeneDx Variant Classification Process June 2021. Collection method: clinical testing. Allele origin: germline. Affected: yes.
Comment: Not observed at significant frequency in large population cohorts (gnomAD); Has not been previously published as pathogenic or benign to our knowledge; In silico analysis is inconclusive as to whether the variant alters gene splicing. In the absence of RNA/functional studies, the actual effect of this sequence change is unknown.